The following is an entry in ClinVar:

ClinVar aggregate classification (germline): Pathogenic (1 of 4 stars; one submission).

Submission:

Labcorp Genetics (formerly Invitae), Labcorp
Classification: Pathogenic. Last evaluated: 2025-05-01. Review status: criteria provided, single submitter. Criteria: Invitae Variant Classification Sherloc (09022015). Collection method: clinical testing. Allele origin: germline.
Comment: This sequence change replaces arginine, which is basic and polar, with proline, which is neutral and non-polar, at codon 233 of the FH protein (p.Arg233Pro). This variant is not present in population databases (gnomAD no frequency). This missense change has been observed in individual(s) with clinical features of hereditary leiomyomatosis and renal cell cancer (internal data). ClinVar contains an entry for this variant (Variation ID: 1489220). Invitae Evidence Modeling of protein sequence and biophysical properties (such as structural, functional, and spatial information, amino acid conservation, physicochemical variation, residue mobility, and thermodynamic stability) indicates that this missense variant is expected to disrupt FH protein function with a positive predictive value of 95%. This variant disrupts the p.Arg233 amino acid residue in FH. Other variant(s) that disrupt this residue have been determined to be pathogenic (PMID: 11865300, 12772087, 15937070, 17960613, 20618355, 22127509). This suggests that this residue is clinically significant, and that variants that disrupt this residue are likely to be disease-causing. For these reasons, this variant has been classified as Pathogenic.

Literature cited by the submitters: PubMed 11865300; PubMed 12772087; PubMed 15937070; PubMed 17960613; PubMed 20618355; PubMed 22127509.

NM_000143.4(FH):c.698G>C (p.Arg233Pro)

Gene: FH (fumarate hydratase; minus strand). Cytogenetic location: 1q43.
Variant type: single nucleotide variant.
Coding change: c.698G>C on transcript NM_000143.4 (MANE Select); coding-DNA position 698, G replaced by C.
Protein change: p.Arg233Pro; replaces arginine 233 with proline.
Molecular consequence: missense variant.
Genome position (GRCh38, 1-based): chr1:241,508,643, C>G on the plus strand (G>C on the coding strand, the complement: FH is on the minus strand). VCF-style: chr1-241508643-C-G. GRCh37 (hg19) VCF-style: chr1-241671943-C-G.
Other names: short protein forms R233P.
Identifiers: ClinVar variation 1489220 (VCV001489220.8), dbSNP rs121913123, ClinGen allele CA345439218.
Genomic context (GRCh38, chr1:241,508,643, plus strand): 5'-AATTAGTCAAACTCCTATACCTGCCCAAGAGTAAGTGGAACAGCATCCTGAGTATGAGTA[C>G]GTCCAATCTTGATGATCTGTGCAAACTCTTTGGATTTTGCATCAAGAGCATCATGTAACT-3'
Protein context (NP_000134.2, residues 223-243): KEFAQIIKIG[Arg233Pro]THTQDAVPLT